The following is an entry in ClinVar:

ClinVar aggregate classification (germline): Uncertain significance. Review status: criteria provided, multiple submitters, no conflicts (2 of 4 stars). 2 submissions from 2 submitters: Uncertain significance (2). Last evaluated 2026-07-07.

Conditions:
Gorlin syndrome. Also called: Nevoid Basal Cell Carcinoma Syndrome; Basal cell nevus syndrome. Identifiers: Orphanet 377, MedGen C0004779, MONDO:0007187.
Hereditary cancer-predisposing syndrome. Also called: Hereditary Cancer Syndrome; Hereditary neoplastic syndrome; Neoplastic Syndromes, Hereditary; Tumor predisposition. Identifiers: Orphanet 140162, MedGen C0027672, MeSH D009386, MONDO:0015356.

Submissions (2):

Ambry Genetics
Classification: Uncertain significance for Hereditary cancer-predisposing syndrome. Last evaluated: 2026-07-07. Review status: criteria provided, single submitter. Criteria: Ambry Variant Classification Scheme 2023. Collection method: clinical testing. Allele origin: germline.
Comment: The p.L121P variant (also known as c.362T>C), located in coding exon 2 of the PTCH1 gene, results from a T to C substitution at nucleotide position 362. The leucine at codon 121 is replaced by proline, an amino acid with similar properties. This amino acid position is highly conserved in available vertebrate species. In addition, this alteration is predicted to be deleterious by in silico analysis. Based on the available evidence, the clinical significance of this variant remains unclear.

Labcorp Genetics (formerly Invitae), Labcorp
Classification: Uncertain significance for Gorlin syndrome. Last evaluated: 2026-01-18. Review status: criteria provided, single submitter. Criteria: Invitae Variant Classification Sherloc (09022015). Collection method: clinical testing. Allele origin: germline.
Comment: This sequence change replaces leucine, which is neutral and non-polar, with proline, which is neutral and non-polar, at codon 121 of the PTCH1 protein (p.Leu121Pro). This variant is not present in population databases (gnomAD no frequency). This variant has not been reported in the literature in individuals affected with PTCH1-related conditions. ClinVar contains an entry for this variant (Variation ID: 1733401). Invitae Evidence Modeling of protein sequence and biophysical properties (such as structural, functional, and spatial information, amino acid conservation, physicochemical variation, residue mobility, and thermodynamic stability) indicates that this missense variant is not expected to disrupt PTCH1 protein function with a negative predictive value of 95%. In summary, the available evidence is currently insufficient to determine the role of this variant in disease. Therefore, it has been classified as a Variant of Uncertain Significance.

NM_000264.5(PTCH1):c.362T>C (p.Leu121Pro)

Gene: PTCH1 (patched 1; minus strand). Cytogenetic location: 9q22.32.
Variant type: single nucleotide variant.
Coding change: c.362T>C on transcript NM_000264.5 (MANE Select); coding-DNA position 362, T replaced by C.
Protein change: p.Leu121Pro; replaces leucine 121 with proline.
Molecular consequence: missense variant. On other transcripts: 5 prime UTR variant (4), non-coding transcript variant (1).
Genome position (GRCh38, 1-based): chr9:95,506,439, A>G on the plus strand (T>C on the coding strand, the complement: PTCH1 is on the minus strand). VCF-style: chr9-95506439-A-G. GRCh37 (hg19) VCF-style: chr9-98268721-A-G.
Other names: c.164T>C, p.Leu55Pro (NM_001083602.3, NM_001354919.2); c.359T>C, p.Leu120Pro (NM_001083603.3); c.-92T>C (NM_001083604.3, NM_001083605.3, NM_001083606.3 and 1 more transcripts); c.362T>C, p.Leu121Pro (NM_001354918.2); short protein forms L120P, L121P, L55P.
Identifiers: ClinVar variation 1733401 (VCV001733401.4), dbSNP rs1421018642, ClinGen allele CA374120198.